The following is an entry in ClinVar:

ClinVar aggregate classification (germline): Uncertain significance (1 of 4 stars; one submission).

Conditions:
Autosomal dominant limb-girdle muscular dystrophy type 1F (LGMDD2). Also called: Limb-girdle muscular dystrophy, type 1F; MUSCULAR DYSTROPHY, LIMB-GIRDLE, AUTOSOMAL DOMINANT 2. Identifiers: Orphanet 55595, MedGen C1842062, MONDO:0012034, OMIM 608423.

Submission:

Labcorp Genetics (formerly Invitae), Labcorp
Classification: Uncertain significance for Autosomal dominant limb-girdle muscular dystrophy type 1F. Last evaluated: 2023-08-09. Review status: criteria provided, single submitter. Criteria: Invitae Variant Classification Sherloc (09022015). Collection method: clinical testing. Allele origin: germline.
Comment: This sequence change replaces glutamine, which is neutral and polar, with arginine, which is basic and polar, at codon 422 of the TNPO3 protein (p.Gln422Arg). In summary, the available evidence is currently insufficient to determine the role of this variant in disease. Therefore, it has been classified as a Variant of Uncertain Significance. Algorithms developed to predict the effect of sequence changes on RNA splicing suggest that this variant may disrupt the consensus splice site. An algorithm developed to predict the effect of missense changes on protein structure and function (PolyPhen-2) suggests that this variant is likely to be tolerated. This variant has not been reported in the literature in individuals affected with TNPO3-related conditions. This variant is not present in population databases (gnomAD no frequency).

NM_012470.4(TNPO3):c.1265A>G (p.Gln422Arg)

Gene: TNPO3 (transportin 3; minus strand). Cytogenetic location: 7q32.1.
Variant type: single nucleotide variant.
Coding change: c.1265A>G on transcript NM_012470.4 (MANE Select); coding-DNA position 1265, A replaced by G.
Protein change: p.Gln422Arg; replaces glutamine 422 with arginine.
Molecular consequence: missense variant. On other transcripts: non-coding transcript variant (18), intron variant (1).
Genome position (GRCh38, 1-based): chr7:128,993,808, T>C on the plus strand (A>G on the coding strand, the complement: TNPO3 is on the minus strand). VCF-style: chr7-128993808-T-C. GRCh37 (hg19) VCF-style: chr7-128633862-T-C.
Other names: c.1265A>G, p.Gln422Arg (NM_001191028.3, NM_001382216.1, NM_001382218.1 and 2 more transcripts); c.1346A>G, p.Gln449Arg (NM_001382217.1); c.1121A>G, p.Gln374Arg (NM_001382221.1); c.1118A>G, p.Gln373Arg (NM_001382222.1); c.1159-1718A>G (NM_001382219.1); short protein forms Q374R, Q373R, Q422R, Q449R.
Identifiers: ClinVar variation 2751407 (VCV002751407.3), dbSNP rs2536173318, ClinGen allele CA369232140.
Genomic context (GRCh38, chr7:128,993,808, plus strand): 5'-AGAAGTGAATACAATTAAGGTGACTAGTAAAACTGGAAACAATCTCCAAATAGGCTTACC[T>C]GAGCAAAACACTCCATAGACCCTATCAAGAAAATCAAGTCCTTTACCAGGTCTGATACCC-3'
Protein context (NP_036602.1, residues 412-432): FLIGSMECFA[Gln422Arg]LYSTLKEGNP